The following is an entry in ClinVar:

ClinVar aggregate classification (germline): Conflicting classifications of pathogenicity. Review status: criteria provided, conflicting classifications (1 of 4 stars). 2 submissions from 2 submitters: Likely pathogenic (1); Uncertain significance (1). Last evaluated 2025-12-10.

Conditions:
Hereditary cancer-predisposing syndrome. Also called: Neoplastic Syndromes, Hereditary; Tumor predisposition; Hereditary Cancer Syndrome; Hereditary neoplastic syndrome. Identifiers: Orphanet 140162, MedGen C0027672, MeSH D009386, MONDO:0015356.
Tuberous sclerosis 2 (TSC2). Identifiers: Orphanet 805, MedGen C1860707, MONDO:0013199, OMIM 613254.

gnomAD v4.1: 1 of 1,610,632 alleles (0.000062%); highest among the groups gnomAD compares: Non-Finnish European, 0.000085%; no homozygotes.

Submissions (2):

Ambry Genetics
Classification: Likely pathogenic for Hereditary cancer-predisposing syndrome. Last evaluated: 2025-12-10. Review status: criteria provided, single submitter. Criteria: Ambry Variant Classification Scheme 2023. Collection method: clinical testing. Allele origin: germline.
Comment: The p.I1621F variant (also known as c.4861A>T), located in coding exon 37 of the TSC2 gene, results from an A to T substitution at nucleotide position 4861. The isoleucine at codon 1621 is replaced by phenylalanine, an amino acid with highly similar properties. This variant was identified in one or more individuals with features consistent with tuberous sclerosis complex (Godava M et al. Biomed Pap Med Fac Univ Palacky Olomouc Czech, 2017 Sep;161:326-329). This amino acid position is highly conserved in available vertebrate species. In addition, this alteration is predicted to be deleterious by in silico analysis. This variant is considered to be rare based on population cohorts in the Genome Aggregation Database (gnomAD). Based on the majority of available evidence to date, this variant is likely to be pathogenic.

Labcorp Genetics (formerly Invitae), Labcorp
Classification: Uncertain significance for Tuberous sclerosis 2. Last evaluated: 2024-01-05. Review status: criteria provided, single submitter. Criteria: Invitae Variant Classification Sherloc (09022015). Collection method: clinical testing. Allele origin: germline.
Comment: This sequence change replaces isoleucine, which is neutral and non-polar, with phenylalanine, which is neutral and non-polar, at codon 1621 of the TSC2 protein (p.Ile1621Phe). This variant is not present in population databases (gnomAD no frequency). This missense change has been observed in individual(s) with clinical features of tuberous sclerosis complex (PMID: 28659645; Invitae). ClinVar contains an entry for this variant (Variation ID: 535960). Advanced modeling of protein sequence and biophysical properties (such as structural, functional, and spatial information, amino acid conservation, physicochemical variation, residue mobility, and thermodynamic stability) has been performed at Invitae for this missense variant, however the output from this modeling did not meet the statistical confidence thresholds required to predict the impact of this variant on TSC2 protein function. In summary, the available evidence is currently insufficient to determine the role of this variant in disease. Therefore, it has been classified as a Variant of Uncertain Significance.

Literature cited by the submitters: PubMed 28659645 (cited by Ambry Genetics and Labcorp Genetics (formerly Invitae), Labcorp).

NM_000548.5(TSC2):c.4861A>T (p.Ile1621Phe)

Gene: TSC2 (TSC complex subunit 2; plus strand). Cytogenetic location: 16p13.3.
Variant type: single nucleotide variant.
Coding change: c.4861A>T on transcript NM_000548.5 (MANE Select); coding-DNA position 4861, A replaced by T.
Protein change: p.Ile1621Phe; replaces isoleucine 1621 with phenylalanine.
Molecular consequence: missense variant.
Genome position (GRCh38, 1-based): chr16:2,086,743, A>T. VCF-style: chr16-2086743-A-T. GRCh37 (hg19) VCF-style: chr16-2136744-A-T.
Other names: c.4660A>T, p.Ile1554Phe (NM_001077183.3); c.4792A>T, p.Ile1598Phe (NM_001114382.3); c.4552A>T, p.Ile1518Phe (NM_001318827.2); c.4516A>T, p.Ile1506Phe (NM_001318829.2); c.4129A>T, p.Ile1377Phe (NM_001318831.2); c.4693A>T, p.Ile1565Phe (NM_001318832.2); c.4663A>T, p.Ile1555Phe (NM_001363528.2); c.4729A>T, p.Ile1577Phe (NM_001370404.1); and 1 more; short protein forms I1621F, I1518F, I1555F, I1578F, I1565F, I1577F, I1377F, I1506F.
Identifiers: ClinVar variation 535960 (VCV000535960.9), dbSNP rs1555516628, ClinGen allele CA394308263.
Genomic context (GRCh38, chr16:2,086,743, plus strand): 5'-GGGCCTCAGCACTGGCCCCACAAACCCATCCGGCCCTGCTCACCCTCAGCCGTCTTCCAC[A>T]TCGCCACCCTGATGCCCACCAAGGACGTGGACAAGCACCGCTGCGACAAGAAGCGCCACC-3'
Protein context (NP_000539.2, residues 1611-1631): HDDIMQAVFH[Ile1621Phe]ATLMPTKDVD